The following is an entry in ClinVar:

ClinVar aggregate classification (germline): Uncertain significance. Review status: criteria provided, multiple submitters, no conflicts (2 of 4 stars). 2 submissions from 2 submitters: Uncertain significance (2). Last evaluated 2026-04-09.

Conditions:
SETX-related disorder. Also called: SETX-related disorders; SETX-related condition. Identifiers: MedGen CN239403.
Spinocerebellar ataxia, autosomal recessive, with axonal neuropathy 2 (SCAN2). Also called: ATAXIA-OCULOMOTOR APRAXIA 2; Ataxia with Oculomotor Apraxia Type 2; Ataxia-ocular apraxia-2; Ataxia with Oculomotor Apraxia. Identifiers: Orphanet 64753, MedGen C1853761, MONDO:0018996, OMIM 606002.
Amyotrophic lateral sclerosis type 4 (ALS4). Also called: AMYOTROPHIC LATERAL SCLEROSIS 4, JUVENILE; NEURONOPATHY, DISTAL HEREDITARY MOTOR, WITH PYRAMIDAL FEATURES. Identifiers: Orphanet 357043, MedGen C1865409, MONDO:0011223, OMIM 602433.

Allele frequency attached by ClinVar (database versions not stated): gnomAD 0.00001; gnomAD exomes 0.00001 and 0.00002; TOPMed 0.00001; ExAC 0.00002.
gnomAD v4.1: 18 of 1,613,566 alleles (0.0011%); highest among the groups gnomAD compares: Non-Finnish European, 0.0014%; no homozygotes.

Submissions (2):

PreventionGenetics, part of Exact Sciences
Classification: Uncertain significance for SETX-related condition. Last evaluated: 2026-04-09. Review status: criteria provided, single submitter. Criteria: ACMG Guidelines, 2015. Collection method: clinical testing. Allele origin: germline.
Comment: The SETX c.5434T>A variant is predicted to result in the amino acid substitution p.Phe1812Ile. To our knowledge, this variant has not been reported in the literature. This variant is reported in 0.0040% of alleles in individuals of European (Finnish) descent in gnomAD. At this time, the clinical significance of this variant is uncertain due to the absence of conclusive functional and genetic evidence.

Labcorp Genetics (formerly Invitae), Labcorp
Classification: Uncertain significance for Amyotrophic lateral sclerosis type 4; Spinocerebellar ataxia, autosomal recessive, with axonal neuropathy 2. Last evaluated: 2021-09-25. Review status: criteria provided, single submitter. Criteria: Invitae Variant Classification Sherloc (09022015). Collection method: clinical testing. Allele origin: germline.
Comment: In summary, the available evidence is currently insufficient to determine the role of this variant in disease. Therefore, it has been classified as a Variant of Uncertain Significance. Algorithms developed to predict the effect of missense changes on protein structure and function are either unavailable or do not agree on the potential impact of this missense change (SIFT: "Tolerated"; PolyPhen-2: "Probably Damaging"; Align-GVGD: "Class C0"). This variant has not been reported in the literature in individuals affected with SETX-related conditions. This variant is present in population databases (rs763771426, ExAC 0.003%). This sequence change replaces phenylalanine with isoleucine at codon 1812 of the SETX protein (p.Phe1812Ile). The phenylalanine residue is moderately conserved and there is a small physicochemical difference between phenylalanine and isoleucine.

NM_015046.7(SETX):c.5434T>A (p.Phe1812Ile)

Gene: SETX (senataxin; minus strand). Cytogenetic location: 9q34.13.
Variant type: single nucleotide variant.
Coding change: c.5434T>A on transcript NM_015046.7 (MANE Select); coding-DNA position 5434, T replaced by A.
Protein change: p.Phe1812Ile; replaces phenylalanine 1812 with isoleucine.
Molecular consequence: missense variant.
Genome position (GRCh38, 1-based): chr9:132,300,744, A>T on the plus strand (T>A on the coding strand, the complement: SETX is on the minus strand). VCF-style: chr9-132300744-A-T. GRCh37 (hg19) VCF-style: chr9-135176131-A-T.
Other names: c.5434T>A, p.Phe1812Ile (NM_001351527.2, NM_001351528.2); c.5434T>A (NM_015046.5); short protein forms F1812I.
Identifiers: ClinVar variation 1405681 (VCV001405681.7), dbSNP rs763771426, ClinGen allele CA5296978.